The following is an entry in ClinVar:

NM_004656.4(BAP1):c.1032T>C (p.Asn344=)

Gene: BAP1 (BRCA1 associated deubiquitinase 1; minus strand). Cytogenetic location: 3p21.1.
Variant type: single nucleotide variant.
Coding change: c.1032T>C on transcript NM_004656.4 (MANE Select); coding-DNA position 1032, T replaced by C.
Protein change: p.Asn344=; no amino-acid change (asparagine 344 retained).
Molecular consequence: synonymous variant.
Genome position (GRCh38, 1-based): chr3:52,405,194, A>G on the plus strand (T>C on the coding strand, the complement: BAP1 is on the minus strand). VCF-style: chr3-52405194-A-G. GRCh37 (hg19) VCF-style: chr3-52439210-A-G.
Other names: c.1032T>C (NM_004656.2).
Identifiers: ClinVar variation 753859 (VCV000753859.11), dbSNP rs781024993, ClinGen allele CA2436937.

ClinVar aggregate classification (germline): Benign/Likely benign. Review status: criteria provided, multiple submitters, no conflicts (2 of 4 stars). 4 submissions from 4 submitters: Benign (1); Likely benign (3). Last evaluated 2025-11-21.

Conditions:
BAP1-related tumor predisposition syndrome (TPDS1). Also called: Tumor susceptibility linked to germline BAP1 mutations; BAP1 tumor predisposition syndrome; COMMON Syndrome; TUMOR PREDISPOSITION SYNDROME 1. Identifiers: Orphanet 289539, MedGen C3280492, MONDO:0013692, OMIM 614327.
Hereditary cancer-predisposing syndrome. Also called: Hereditary Cancer Syndrome; Hereditary neoplastic syndrome; Neoplastic Syndromes, Hereditary; Tumor predisposition. Identifiers: Orphanet 140162, MedGen C0027672, MeSH D009386, MONDO:0015356.

Allele frequency attached by ClinVar (database versions not stated): gnomAD exomes below 0.00001 and 0.00001; ExAC 0.00002.
gnomAD v4.1: 3 of 1,614,110 alleles (0.00019%); highest among the groups gnomAD compares: Non-Finnish European, 0.00025%; no homozygotes.

Submissions (4):

Labcorp Genetics (formerly Invitae), Labcorp
Classification: Likely benign for BAP1-related tumor predisposition syndrome. Last evaluated: 2025-11-21. Review status: criteria provided, single submitter. Criteria: Invitae Variant Classification Sherloc (09022015). Collection method: clinical testing. Allele origin: germline.

Myriad Genetics, Inc.
Classification: Benign for BAP1-related tumor predisposition syndrome. Last evaluated: 2024-07-15. Review status: criteria provided, single submitter. Criteria: Myriad Autosomal Dominant, Autosomal Recessive and X-Linked Classification Criteria (2023). Collection method: clinical testing. Allele origin: unknown.
Comment: This variant is considered benign. This variant is a silent/synonymous amino acid change and it is not expected to impact splicing.

Ambry Genetics
Classification: Likely benign for Hereditary cancer-predisposing syndrome. Last evaluated: 2023-07-05. Review status: criteria provided, single submitter. Criteria: Ambry Variant Classification Scheme 2023. Collection method: clinical testing. Allele origin: germline.

Color Diagnostics, LLC DBA Color Health
Classification: Likely benign for Hereditary cancer-predisposing syndrome. Last evaluated: 2021-08-30. Review status: criteria provided, single submitter. Criteria: ACMG Guidelines, 2015. Collection method: clinical testing. Allele origin: germline.